The following is an entry in ClinVar:

ClinVar aggregate classification (germline): Uncertain significance. Review status: criteria provided, multiple submitters, no conflicts (2 of 4 stars). 3 submissions from 3 submitters: Uncertain significance (3). Last evaluated 2026-06-17.

Allele frequency attached by ClinVar (database versions not stated): gnomAD exomes 0.00010 and 0.00016; gnomAD 0.00010; ESP Exome Variant Server 0.00008; ExAC 0.00019; TOPMed 0.00017.
gnomAD v4.1: 169 of 1,613,970 alleles (0.01%); highest among the groups gnomAD compares: Admixed American, 0.078%; 1 homozygote.

Submissions (3):

Women's Health and Genetics/Laboratory Corporation of America, LabCorp
Classification: Uncertain significance. Last evaluated: 2026-06-17. Review status: criteria provided, single submitter. Criteria: LabCorp Variant Classification Summary - May 2015. Collection method: clinical testing. Allele origin: germline.
Comment: Variant summary: VWF c.250C>T (p.Leu84Phe) results in a non-conservative amino acid change in the encoded protein sequence. Algorithms developed to predict the effect of missense changes on protein structure and function are either unavailable or do not agree on the potential impact of this missense change. The variant allele was found at a frequency of 0.00016 in 251468 control chromosomes (gnomAD). This frequency is not significantly higher than estimated for disease-causing variants in VWF, allowing no conclusion about variant significance. c.250C>T has been observed in at least one individual affected with Von Willebrand Disease (Borrs_2017). The report does not provide unequivocal conclusions about association of the variant with disease. To our knowledge, no experimental evidence demonstrating an impact on protein function has been reported. The following publications have been ascertained in the context of this evaluation (PMID: 28971901, 37647632). ClinVar contains an entry for this variant (Variation ID: 310089). Based on the evidence outlined above, the variant was classified as uncertain significance.

GeneDx
Classification: Uncertain significance. Last evaluated: 2025-08-11. Review status: criteria provided, single submitter. Criteria: GeneDx Variant Classification Process June 2021. Collection method: clinical testing. Allele origin: germline. Affected: yes.
Comment: Identified in an individual with von Willebrand disease who harbored additional variants in the VWF gene; however, familial segregation was not included (PMID: 28971901); In silico analysis suggests that this missense variant does not alter protein structure/function; This variant is associated with the following publications: (PMID: 37647632, 28971901)

Quest Diagnostics Nichols Institute San Juan Capistrano
Classification: Uncertain significance. Last evaluated: 2025-08-05. Review status: criteria provided, single submitter. Criteria: Quest Diagnostics criteria. Collection method: clinical testing. Allele origin: unknown.
Comment: The VWF c.250C>T (p.Leu84Phe) variant has been reported in individuals with Type 2A von Willebrand disease (PMIDs: 28971901 (2017) and 37845247 (2023)) and in reportedly unaffected individuals in the published literature (PMID: 37647632 (2023)). The frequency of this variant in the general population (Genome Aggregation Database) is uninformative in the assessment of its pathogenicity. Analysis of this variant using bioinformatics tools for the prediction of the effect of amino acid changes on protein structure and function yielded predictions that this variant is damaging. Based on the available information, we are unable to determine the clinical significance of this variant.

Literature cited by the submitters: PubMed 28971901 (cited by Women's Health and Genetics/Laboratory Corporation of America, LabCorp and Quest Diagnostics Nichols Institute San Juan Capistrano); PubMed 37647632 (cited by Women's Health and Genetics/Laboratory Corporation of America, LabCorp and Quest Diagnostics Nichols Institute San Juan Capistrano); PubMed 37845247 (cited by Quest Diagnostics Nichols Institute San Juan Capistrano).

NM_000552.5(VWF):c.250C>T (p.Leu84Phe)

Gene: VWF (von Willebrand factor; minus strand). Cytogenetic location: 12p13.31.
Variant type: single nucleotide variant.
Coding change: c.250C>T on transcript NM_000552.5 (MANE Select); coding-DNA position 250, C replaced by T.
Protein change: p.Leu84Phe; replaces leucine 84 with phenylalanine.
Molecular consequence: missense variant.
Genome position (GRCh38, 1-based): chr12:6,110,939, G>A on the plus strand (C>T on the coding strand, the complement: VWF is on the minus strand). VCF-style: chr12-6110939-G-A. GRCh37 (hg19) VCF-style: chr12-6220105-G-A.
Other names: c.250C>T (NM_000552.4); short protein forms L84F.
Identifiers: ClinVar variation 310089 (VCV000310089.9), dbSNP rs372664002, ClinGen allele CA6403851.
Genomic context (GRCh38, chr12:6,110,939, plus strand): 5'-GTGTCACGGTACCATTGACAAACAAATGGATGTCAAAAAATTCCCCAAGATACACGGAGA[G>A]GCTCACTCTCTTGCCATTCTGGAAGTCCCCTGAAAGAGAAAAAAGTCAATAGTAGTGATT-3'
Protein context (NP_000543.3, residues 74-94): GDFQNGKRVS[Leu84Phe]SVYLGEFFDI